The following is an entry in ClinVar:

ClinVar aggregate classification (germline): Benign. Review status: reviewed by expert panel (3 of 4 stars). 2 submissions from 2 submitters: Benign (1). 1 of the submissions does not count toward it. Last evaluated 2015-01-12.

Conditions:
Breast-ovarian cancer, familial, susceptibility to, 2 (BROVCA2). Also called: BRCA2 Hereditary Breast and Ovarian Cancer. Identifiers: Orphanet 145, MedGen C2675520, MONDO:0012933, OMIM 612555. Disease mechanism: loss of function.

Submissions (2):

Evidence-based Network for the Interpretation of Germline Mutant Alleles (ENIGMA)
Classification: Benign for Breast-ovarian cancer, familial 2. Last evaluated: 2015-01-12. Review status: reviewed by expert panel. Criteria: ENIGMA BRCA1/2 Classification Criteria (2015). Collection method: curation. Allele origin: germline.
Comment: Class 1 not pathogenic based on frequency >1% in an outbred sampleset. Frequency 0.05 (African), derived from 1000 genomes (2012-04-30).

GeneDx
Classification: Likely benign. Last evaluated: 2019-09-19. Review status: criteria provided, single submitter. Criteria: GeneDx Variant Classification Process June 2021. Collection method: clinical testing. Allele origin: germline. Affected: yes. Not counted in ClinVar's aggregate classification.

NM_000059.4(BRCA2):c.1909+95_1909+99del

Gene: BRCA2 (BRCA2 DNA repair associated; plus strand). Cytogenetic location: 13q13.1.
Variant type: Deletion.
Coding change: c.1909+95_1909+99del on transcript NM_000059.4 (MANE Select); bases 95 to 99 of the intron after coding-DNA position 1909, 5 bases deleted (CTTAT; older notation c.1909+95_1909+99delCTTAT).
Molecular consequence: intron variant.
Genome position (GRCh38, 1-based): chr13:32,333,482-32,333,486, CTTAT deleted; deleting any 5 consecutive bases within chr13:32,333,479-32,333,486 gives the same sequence; the c. name uses the placement nearest the transcript's 3' end. VCF-style (leftmost placement, unchanged base first): chr13-32333478-ATATCT-A. GRCh37 (hg19) VCF-style: chr13-32907615-ATATCT-A.
Other names: IVS 10+92del5.
Identifiers: ClinVar variation 209674 (VCV000209674.4), dbSNP rs144549870, ClinGen allele CA276643.
Genomic context (GRCh38, chr13:32,333,478, plus strand): 5'-TACATATAGTTTTATAGATGACGATTCCTTCTGTGTTTTTTTCTGCTTTTTAAAATCTTC[ATATCT>A]TATATTTAATCTTAGGCATCATCTGTATACATGATTGTTTAGGTCTTTAATTACCAGTGT-3'